The following is an entry in ClinVar:

NM_004385.5(VCAN):c.2198C>T (p.Pro733Leu)

Gene: VCAN (versican; plus strand). Cytogenetic location: 5q14.3.
Variant type: single nucleotide variant.
Coding change: c.2198C>T on transcript NM_004385.5 (MANE Select); coding-DNA position 2198, C replaced by T.
Protein change: p.Pro733Leu; replaces proline 733 with leucine.
Molecular consequence: missense variant. On other transcripts: intron variant (2).
Genome position (GRCh38, 1-based): chr5:83,520,504, C>T. VCF-style: chr5-83520504-C-T. GRCh37 (hg19) VCF-style: chr5-82816323-C-T.
Other names: c.1042+8108C>T (NM_001164097.2, NM_001126336.3); c.2198C>T, p.Pro733Leu (NM_001164098.2); short protein forms P733L.
Identifiers: ClinVar variation 2872035 (VCV002872035.3), dbSNP rs1746040101, ClinGen allele CA360303415.

ClinVar aggregate classification (germline): Uncertain significance (1 of 4 stars; one submission).

Allele frequency attached by ClinVar (database versions not stated): gnomAD exomes below 0.00001.
gnomAD v4.1: 3 of 1,614,004 alleles (0.00019%); highest among the groups gnomAD compares: African/African-American, 0.0027%; no homozygotes.

Submission:

Labcorp Genetics (formerly Invitae), Labcorp
Classification: Uncertain significance. Last evaluated: 2023-09-08. Review status: criteria provided, single submitter. Criteria: Invitae Variant Classification Sherloc (09022015). Collection method: clinical testing. Allele origin: germline.
Comment: In summary, the available evidence is currently insufficient to determine the role of this variant in disease. Therefore, it has been classified as a Variant of Uncertain Significance. An algorithm developed to predict the effect of missense changes on protein structure and function (PolyPhen-2) suggests that this variant is likely to be tolerated. This variant has not been reported in the literature in individuals affected with VCAN-related conditions. This variant is not present in population databases (gnomAD no frequency). This sequence change replaces proline, which is neutral and non-polar, with leucine, which is neutral and non-polar, at codon 733 of the VCAN protein (p.Pro733Leu).